The following is an entry in ClinVar:

NM_017654.4(SAMD9):c.2464T>C (p.Tyr822His)

Gene: SAMD9 (sterile alpha motif domain containing 9; minus strand). Cytogenetic location: 7q21.2.
Variant type: single nucleotide variant.
Coding change: c.2464T>C on transcript NM_017654.4 (MANE Select); coding-DNA position 2464, T replaced by C.
Protein change: p.Tyr822His; replaces tyrosine 822 with histidine.
Molecular consequence: missense variant.
Genome position (GRCh38, 1-based): chr7:93,103,634, A>G on the plus strand (T>C on the coding strand, the complement: SAMD9 is on the minus strand). VCF-style: chr7-93103634-A-G. GRCh37 (hg19) VCF-style: chr7-92732947-A-G.
Other names: c.2464T>C, p.Tyr822His (NM_001193307.2); short protein forms Y822H.
Identifiers: ClinVar variation 4159154 (VCV004159154.1).
Genomic context (GRCh38, chr7:93,103,634, plus strand): 5'-CAGGATTTTGTGATCTCATACAATTTAGGATAATCACCAGAGGTTTTTCATATCGAATGT[A>G]CTTTTTAGCTATAGCTGTTTGAATAGAGTACTGCAGAAGATAGACATTATCTTGTTCTTC-3'
Protein context (NP_060124.2, residues 812-832): YSIQTAIAKK[Tyr822His]IRYEKPLVII

ClinVar aggregate classification (germline): Uncertain significance (1 of 4 stars; one submission).

Conditions:
Inborn genetic diseases. Identifiers: MedGen C0950123, MeSH D030342.

Submission:

Ambry Genetics
Classification: Uncertain significance for Inborn genetic diseases. Last evaluated: 2025-08-15. Review status: criteria provided, single submitter. Criteria: Ambry Variant Classification Scheme 2023. Collection method: clinical testing. Allele origin: germline.
Comment: The p.Y822H variant (also known as c.2464T>C), located in coding exon 1 of the SAMD9 gene, results from a T to C substitution at nucleotide position 2464. The tyrosine at codon 822 is replaced by histidine, an amino acid with similar properties. This amino acid position is conserved. In addition, this alteration is predicted to be tolerated by in silico analysis. Based on the available evidence, the clinical significance of this variant remains unclear.